The following is an entry in ClinVar:

NM_003072.5(SMARCA4):c.2900G>A (p.Arg967His)

Gene: SMARCA4 (SWI/SNF related BAF chromatin remodeling complex subunit ATPase 4; plus strand). Cytogenetic location: 19p13.2.
Variant type: single nucleotide variant.
Coding change: c.2900G>A on transcript NM_003072.5 (MANE Select); coding-DNA position 2900, G replaced by A.
Protein change: p.Arg967His; replaces arginine 967 with histidine.
Molecular consequence: missense variant. On other transcripts: non-coding transcript variant (1).
Genome position (GRCh38, 1-based): chr19:11,023,558, G>A. VCF-style: chr19-11023558-G-A. GRCh37 (hg19) VCF-style: chr19-11134234-G-A.
Other names: c.2900G>A, p.Arg967His (NM_001128844.3, NM_001128845.2, NM_001128846.2 and 4 more transcripts); short protein forms R967H.
Identifiers: ClinVar variation 816865 (VCV000816865.16), dbSNP rs1085307769, ClinGen allele CA404057549.

ClinVar aggregate classification (germline): Conflicting classifications of pathogenicity. Review status: criteria provided, conflicting classifications (1 of 4 stars). 4 submissions from 4 submitters: Pathogenic (1); Likely pathogenic (1); Uncertain significance (1). 1 of the submissions does not count toward it. Last evaluated 2026-02-20.

Conditions:
Atrial septal defect (ASD). Also called: Defect in the atrial septum; Interatrial communication. Identifiers: Orphanet 1478, MedGen C0018817, MONDO:0006664, HP:0001631.
Ventricular septal defect. Identifiers: MedGen C0018818, MONDO:0002070, HP:0001629.
Delayed speech and language development. Also called: Language delay. Identifiers: MedGen C0454644, HP:0000750.
Rhabdoid tumor predisposition syndrome 2 (RTPS2). Identifiers: Orphanet 231108, Orphanet 69077, MedGen C2750074, MONDO:0013224, OMIM 613325.
SMARCA4-related disorder. Also called: SMARCA4-related condition.

Allele frequency attached by ClinVar (database versions not stated): gnomAD exomes below 0.00001.
gnomAD v4.1: 1 of 1,613,564 alleles (0.000062%); highest among the groups gnomAD compares: Non-Finnish European, 0.000085%; no homozygotes.

Submissions (4):

GeneDx
Classification: Pathogenic. Last evaluated: 2026-02-20. Review status: criteria provided, single submitter. Criteria: GeneDx Variant Classification Process June 2021. Collection method: clinical testing. Allele origin: germline.
Comment: Not observed at significant frequency in large population cohorts (gnomAD); In silico analysis supports that this missense variant has a deleterious effect on protein structure/function; This variant is associated with the following publications: (PMID: 34813034, 24658002, 37500730)

PreventionGenetics, part of Exact Sciences
Classification: Likely pathogenic for SMARCA4-related condition. Last evaluated: 2022-09-29. Review status: criteria provided, single submitter. Criteria: ACMG Guidelines, 2015. Collection method: clinical testing. Allele origin: germline.
Comment: The SMARCA4 c.2900G>A variant is predicted to result in the amino acid substitution p.Arg967His. To our knowledge, this variant has not been reported in the literature or in a large population database, indicating this variant is rare. Of note, an alternate substitution of this amino acid residue (p.Arg967Pro) has been reported in an individual with Coffin-Siris syndrome (Li et al. 2020. PubMed ID: 32686290). Given the evidence, we interpret c.2900G>A (p.Arg967His) as likely pathogenic.

Labcorp Genetics (formerly Invitae), Labcorp
Classification: Uncertain significance for Rhabdoid tumor predisposition syndrome 2. Last evaluated: 2021-03-11. Review status: criteria provided, single submitter. Criteria: Invitae Variant Classification Sherloc (09022015). Collection method: clinical testing. Allele origin: germline.
Comment: This variant has not been reported in the literature in individuals with SMARCA4-related conditions. ClinVar contains an entry for this variant (Variation ID: 816865). Algorithms developed to predict the effect of missense changes on protein structure and function are either unavailable or do not agree on the potential impact of this missense change (SIFT: "Deleterious"; PolyPhen-2: "Probably Damaging"; Align-GVGD: "Class C0"). In summary, the available evidence is currently insufficient to determine the role of this variant in disease. Therefore, it has been classified as a Variant of Uncertain Significance. This variant is not present in population databases (ExAC no frequency). This sequence change replaces arginine with histidine at codon 967 of the SMARCA4 protein (p.Arg967His). The arginine residue is highly conserved and there is a small physicochemical difference between arginine and histidine.

Center for Molecular Medicine, Children’s Hospital of Fudan University
Classification: Likely pathogenic for Delayed speech and language development; Atrial septal defect; Ventricular septal defect. Last evaluated: 2020-02-25. Review status: no assertion criteria provided. Collection method: clinical testing. Allele origin: unknown. Affected: yes. Not counted in ClinVar's aggregate classification.